The following is an entry in ClinVar:

ClinVar aggregate classification (germline): Uncertain significance (1 of 4 stars; one submission).

Submission:

Labcorp Genetics (formerly Invitae), Labcorp
Classification: Uncertain significance. Last evaluated: 2024-03-06. Review status: criteria provided, single submitter. Criteria: Invitae Variant Classification Sherloc (09022015). Collection method: clinical testing. Allele origin: germline.
Comment: This sequence change replaces lysine, which is basic and polar, with isoleucine, which is neutral and non-polar, at codon 1040 of the MSH3 protein (p.Lys1040Ile). This variant is not present in population databases (gnomAD no frequency). This variant has not been reported in the literature in individuals affected with MSH3-related conditions. An algorithm developed to predict the effect of missense changes on protein structure and function (PolyPhen-2) suggests that this variant is likely to be tolerated. In summary, the available evidence is currently insufficient to determine the role of this variant in disease. Therefore, it has been classified as a Variant of Uncertain Significance.

NM_002439.5(MSH3):c.3119A>T (p.Lys1040Ile)

Gene: MSH3 (mutS homolog 3; plus strand). Cytogenetic location: 5q14.1.
Variant type: single nucleotide variant.
Coding change: c.3119A>T on transcript NM_002439.5 (MANE Select); coding-DNA position 3119, A replaced by T.
Protein change: p.Lys1040Ile; replaces lysine 1040 with isoleucine.
Molecular consequence: missense variant.
Genome position (GRCh38, 1-based): chr5:80,864,931, A>T. VCF-style: chr5-80864931-A-T. GRCh37 (hg19) VCF-style: chr5-80160750-A-T.
Other names: short protein forms K1040I.
Identifiers: ClinVar variation 3644801 (VCV003644801.2).
Genomic context (GRCh38, chr5:80,864,931, plus strand): 5'-ATTACTCACACCAGGTGGGGAATTACCACATGGGATTCTTGGTCAGTGAGGATGAAAGCA[A>T]ACTGGATCCAGGTATGAAATATTCCTGCAGTTGGTACAAATATTGGTTTTCATGTTTGAT-3'
Protein context (NP_002430.3, residues 1030-1050): MGFLVSEDES[Lys1040Ile]LDPGAAEQVP